The following is an entry in ClinVar:

ClinVar aggregate classification (germline): Benign. Review status: reviewed by expert panel (3 of 4 stars). 2 submissions from 2 submitters: Benign (1). 1 of the submissions does not count toward it. Last evaluated 2016-09-28.

Conditions:
Breast-ovarian cancer, familial, susceptibility to, 2 (BROVCA2). Also called: BRCA2 Hereditary Breast and Ovarian Cancer. Identifiers: Orphanet 145, MedGen C2675520, MONDO:0012933, OMIM 612555. Disease mechanism: loss of function.

Allele frequency attached by ClinVar (database versions not stated): gnomAD 0.00851 and 0.00868; 1000 Genomes Project 0.00978; TOPMed 0.01045; 1000 Genomes Project 30x 0.01093.
gnomAD v4.1: 1,321 of 152,294 alleles (0.87%); highest among the groups gnomAD compares: Admixed American, 5.2%; 38 homozygotes.

Submissions (2):

Evidence-based Network for the Interpretation of Germline Mutant Alleles (ENIGMA)
Classification: Benign for Breast-ovarian cancer, familial, susceptibility to, 2. Last evaluated: 2016-09-28. Review status: reviewed by expert panel. Criteria: ENIGMA BRCA1/2 Classification Criteria (2015). Collection method: curation. Allele origin: germline.
Comment: Class 1 not pathogenic based on frequency >1% in an outbred sampleset. Frequency 0.0418 (Admixed American/Latino), 0.0164 (South Asian), derived from 1000 genomes (2013-05-02).

Breakthrough Genomics
Classification: Benign. Review status: criteria provided, single submitter. Criteria: ACMG Guidelines, 2015. Collection method: not provided. Allele origin: germline. Inheritance: Autosomal recessive inheritance. Affected: yes. Not counted in ClinVar's aggregate classification.

NM_000059.4(BRCA2):c.316+2009T>A

Gene: BRCA2 (BRCA2 DNA repair associated; plus strand). Cytogenetic location: 13q13.1.
Variant type: single nucleotide variant.
Coding change: c.316+2009T>A on transcript NM_000059.4 (MANE Select); 2009 bases into the intron after coding-DNA position 316, T replaced by A.
Molecular consequence: intron variant.
Genome position (GRCh38, 1-based): chr13:32,321,334, T>A. VCF-style: chr13-32321334-T-A. GRCh37 (hg19) VCF-style: chr13-32895471-T-A.
Identifiers: ClinVar variation 264885 (VCV000264885.2), dbSNP rs188221073, ClinGen allele CA10588068.